The following is an entry in ClinVar:

NM_000393.5(COL5A2):c.1261G>A (p.Ala421Thr)

Gene: COL5A2 (collagen type V alpha 2 chain; minus strand). Cytogenetic location: 2q32.2.
Variant type: single nucleotide variant.
Coding change: c.1261G>A on transcript NM_000393.5 (MANE Select); coding-DNA position 1261, G replaced by A.
Protein change: p.Ala421Thr; replaces alanine 421 with threonine.
Molecular consequence: missense variant.
Genome position (GRCh38, 1-based): chr2:189,068,267, C>T on the plus strand (G>A on the coding strand, the complement: COL5A2 is on the minus strand). VCF-style: chr2-189068267-C-T. GRCh37 (hg19) VCF-style: chr2-189932993-C-T.
Other names: c.1261G>A (NM_000393.4); short protein forms A421T.
Identifiers: ClinVar variation 529286 (VCV000529286.45), dbSNP rs200839338, ClinGen allele CA2022769.
Genomic context (GRCh38, chr2:189,068,267, plus strand): 5'-CCATAAATGCAGTACTCACCGTTGGGCCTTTGGCACCAGGAGTACCATCAGTTCCTATTG[C>T]ACCCTAAAAGGTACATTAAAAGTATGTAATGAAATATTAAGCAATATATAGATACAAATG-3'
Protein context (NP_000384.2, residues 411-431): GPVGSPGLPG[Ala421Thr]IGTDGTPGAK

ClinVar aggregate classification (germline): Benign/Likely benign. Review status: criteria provided, multiple submitters, no conflicts (2 of 4 stars). 4 submissions from 4 submitters: Benign (1); Likely benign (3). Last evaluated 2026-06-06.

Conditions:
Ehlers-Danlos syndrome, classic type, 1 (EDSCL1). Also called: Ehlers-Danlos Syndrome, Classic Type, COL5A1-Related; EDS I; Ehlers-Danlos syndrome, type 1; EHLERS-DANLOS SYNDROME, GRAVIS TYPE; EHLERS-DANLOS SYNDROME, SEVERE CLASSIC TYPE. Identifiers: MedGen C0268335, MONDO:0019567, OMIM 130000.
COL5A2-related disorder. Also called: COL5A2-related condition.
Familial thoracic aortic aneurysm and aortic dissection (TAAD). Also called: Thoracic aortic aneurysms and dissections. Identifiers: Orphanet 91387, MedGen C4707243, MONDO:0019625.

Allele frequency attached by ClinVar (database versions not stated): gnomAD 0.00002 and 0.00003; gnomAD exomes 0.00004 and 0.00012; TOPMed 0.00010; ExAC 0.00012; 1000 Genomes Project 30x 0.00031; 1000 Genomes Project 0.00040.

Submissions (4):

Ambry Genetics
Classification: Likely benign for Familial thoracic aortic aneurysm and aortic dissection. Last evaluated: 2026-06-06. Review status: criteria provided, single submitter. Criteria: Ambry Variant Classification Scheme 2023. Collection method: clinical testing. Allele origin: germline.

Labcorp Genetics (formerly Invitae), Labcorp
Classification: Likely benign for Ehlers-Danlos syndrome, classic type, 1. Last evaluated: 2025-11-12. Review status: criteria provided, single submitter. Criteria: Invitae Variant Classification Sherloc (09022015). Collection method: clinical testing. Allele origin: germline.

PreventionGenetics, part of Exact Sciences
Classification: Likely benign for COL5A2-related condition. Last evaluated: 2025-06-12. Review status: criteria provided, single submitter. Criteria: ACMG Guidelines, 2015. Collection method: clinical testing. Allele origin: germline.
Comment: This variant is classified as likely benign based on ACMG/AMP sequence variant interpretation guidelines (Richards et al. 2015 PMID: 25741868, with internal and published modifications).

CeGaT Center for Human Genetics Tuebingen
Classification: Benign. Last evaluated: 2022-04-01. Review status: criteria provided, single submitter. Criteria: CeGaT Center For Human Genetics Tuebingen Variant Classification Criteria Version 2. Collection method: clinical testing. Allele origin: germline. Affected: yes. Observed: 1 variant allele.
Comment: COL5A2: BS1, BS2